The following is an entry in ClinVar:

NM_001375524.1(TRRAP):c.1563_1564delinsTTCCT (p.Ala522delinsSerSer)

Gene: TRRAP (transformation/transcription domain associated protein; plus strand). Cytogenetic location: 7q22.1.
Variant type: Indel.
Coding change: c.1563_1564delinsTTCCT on transcript NM_001375524.1 (MANE Select); coding-DNA positions 1563 to 1564, GG replaced by TTCCT.
Protein change: p.Ala522delinsSerSer.
Molecular consequence: inframe indel.
Genome position (GRCh38, 1-based): chr7:98,910,268-98,910,269, GG replaced by TTCCT. VCF-style: chr7-98910268-GG-TTCCT. GRCh37 (hg19) VCF-style: chr7-98507891-GG-TTCCT.
Other names: c.1563_1564delinsTTCCT, p.Ala522delinsSerSer (NM_001244580.2, NM_003496.4).
Identifiers: ClinVar variation 4976196 (VCV004976196.1).

ClinVar aggregate classification (germline): Uncertain significance (1 of 4 stars; one submission).

Submission:

GeneDx
Classification: Uncertain significance. Last evaluated: 2026-02-03. Review status: criteria provided, single submitter. Criteria: GeneDx Variant Classification Process June 2021. Collection method: clinical testing. Allele origin: germline.
Comment: Not observed at significant frequency in large population cohorts (gnomAD); In-frame deletion of 1 amino acid(s) and insertion of 2 different amino acid(s) in a non-repeat region; In silico analysis is inconclusive as to whether the variant alters gene splicing. In the absence of RNA/functional studies, the actual effect of this sequence change is unknown.; Has not been previously published as pathogenic or benign to our knowledge; In silico analysis suggests that this variant does not alter protein structure/function